The following is an entry in ClinVar:

ClinVar aggregate classification (germline): Pathogenic (1 of 4 stars; one submission).

Submission:

Labcorp Genetics (formerly Invitae), Labcorp
Classification: Pathogenic. Last evaluated: 2025-08-04. Review status: criteria provided, single submitter. Criteria: Invitae Variant Classification Sherloc (09022015). Collection method: clinical testing. Allele origin: germline.
Comment: This sequence change creates a premature translational stop signal (p.Leu17Hisfs*5) in the PROSC gene. It is expected to result in an absent or disrupted protein product. Loss-of-function variants in PROSC are known to be pathogenic (PMID: 27912044). This variant is not present in population databases (gnomAD no frequency). This premature translational stop signal has been observed in individual(s) with pyridoxine-dependent epilepsy (PMID: 33425341). This variant is also known as c.46_47insCA. For these reasons, this variant has been classified as Pathogenic.

Literature cited by the submitters: PubMed 27912044; PubMed 33425341.

NM_007198.4(PLPBP):c.47_48dup (p.Leu17fs)

Genes: PLPBP (pyridoxal phosphate binding protein; plus strand), LOC113788277 (Sharpr-MPRA regulatory region 13802; plus strand). Cytogenetic location: 8p11.23.
Variant type: Duplication.
Coding change: c.47_48dup on transcript NM_007198.4 (MANE Select); coding-DNA positions 47 to 48, 2 bases duplicated (CA; older notation c.47_48dupCA).
Protein change: p.Leu17fs; shifts the reading frame from leucine 17.
Molecular consequence: frameshift variant. On other transcripts: intron variant (1).
Genome position (GRCh38, 1-based): chr8:37,762,706-37,762,707, CA duplicated. VCF-style (leftmost placement, unchanged base first): chr8-37762705-G-GCA. GRCh37 (hg19) VCF-style: chr8-37620223-G-GCA.
Other names: c.47_48dup, p.Leu17fs (NM_001349346.2, NM_001349347.2); c.152_153dup, p.Leu52fs (NM_001349349.1); c.-58+6_-58+7dup (NM_001349348.2); short protein forms L52fs, L17fs.
Identifiers: ClinVar variation 4706047 (VCV004706047.1).